The following is an entry in ClinVar:

NM_000368.5(TSC1):c.2520G>C (p.Ser840=)

Gene: TSC1 (TSC complex subunit 1; minus strand). Cytogenetic location: 9q34.13.
Variant type: single nucleotide variant.
Coding change: c.2520G>C on transcript NM_000368.5 (MANE Select); coding-DNA position 2520, G replaced by C.
Protein change: p.Ser840=; no amino-acid change (serine 840 retained).
Molecular consequence: synonymous variant.
Genome position (GRCh38, 1-based): chr9:132,900,820, C>G on the plus strand (G>C on the coding strand, the complement: TSC1 is on the minus strand). VCF-style: chr9-132900820-C-G. GRCh37 (hg19) VCF-style: chr9-135776207-C-G.
Other names: c.2520G>C (NM_000368.4); c.2517G>C, p.Ser839= (NM_001162426.2); c.2367G>C, p.Ser789= (NM_001162427.2); c.2157G>C, p.Ser719= (NM_001362177.2).
Identifiers: ClinVar variation 1102766 (VCV001102766.11), dbSNP rs547498792, ClinGen allele CA033372.

ClinVar aggregate classification (germline): Benign/Likely benign. Review status: criteria provided, multiple submitters, no conflicts (2 of 4 stars). 3 submissions from 3 submitters: Benign (1); Likely benign (2). Last evaluated 2025-04-25.

Conditions:
Tuberous sclerosis 1 (TSC1). Identifiers: Orphanet 805, MedGen C1854465, MONDO:0008612, OMIM 191100.
Hereditary cancer-predisposing syndrome. Also called: Neoplastic Syndromes, Hereditary; Hereditary neoplastic syndrome; Hereditary Cancer Syndrome; Tumor predisposition. Identifiers: Orphanet 140162, MedGen C0027672, MeSH D009386, MONDO:0015356.

gnomAD v4.1: 3 of 1,614,104 alleles (0.00019%); highest among the groups gnomAD compares: South Asian, 0.0033%; no homozygotes.

Submissions (3):

Myriad Genetics, Inc.
Classification: Benign for Tuberous sclerosis 1. Last evaluated: 2025-04-25. Review status: criteria provided, single submitter. Criteria: Myriad Autosomal Dominant, Autosomal Recessive and X-Linked Classification Criteria (2023). Collection method: clinical testing. Allele origin: unknown.
Comment: This variant is considered benign. This variant is a silent/synonymous amino acid change and it is not expected to impact splicing.

Ambry Genetics
Classification: Likely benign for Hereditary cancer-predisposing syndrome. Last evaluated: 2025-01-27. Review status: criteria provided, single submitter. Criteria: Ambry Variant Classification Scheme 2023. Collection method: clinical testing. Allele origin: germline.

Labcorp Genetics (formerly Invitae), Labcorp
Classification: Likely benign for Tuberous sclerosis 1. Last evaluated: 2024-10-23. Review status: criteria provided, single submitter. Criteria: Invitae Variant Classification Sherloc (09022015). Collection method: clinical testing. Allele origin: germline.